The following is an entry in ClinVar:

ClinVar aggregate classification (germline): Uncertain significance (1 of 4 stars; one submission).

Submission:

Labcorp Genetics (formerly Invitae), Labcorp
Classification: Uncertain significance. Last evaluated: 2021-05-18. Review status: criteria provided, single submitter. Criteria: Invitae Variant Classification Sherloc (09022015). Collection method: clinical testing. Allele origin: germline.
Comment: In summary, the available evidence is currently insufficient to determine the role of this variant in disease. Therefore, it has been classified as a Variant of Uncertain Significance. This variant has not been reported in the literature in individuals with ANKZF1-related conditions. This variant results in the deletion of exons 6-13 and part of exon 5 (c.492_2058-113delinsCTCCAGATCCCA) of the ANKZF1 gene. It is expected to disrupt RNA splicing. Variants that disrupt the donor or acceptor splice site typically lead to a loss of protein function (PMID: 16199547), however the current clinical and genetic evidence is not sufficient to establish whether loss-of-function variants in ANKZF1 cause disease.

Literature cited by the submitters: PubMed 16199547.

NC_000002.11:g.(?_220097339)_(220100931_?)del

Gene: ANKZF1 (ankyrin repeat and zinc finger peptidyl tRNA hydrolase 1; plus strand). Cytogenetic location: 2q35.
Variant type: Deletion.
Identifiers: ClinVar variation 1448750 (VCV001448750.4).